The following is an entry in ClinVar:

ClinVar aggregate classification (germline): Uncertain significance (1 of 4 stars; one submission).

Conditions:
Inborn genetic diseases. Identifiers: MedGen C0950123, MeSH D030342.

Submission:

Ambry Genetics
Classification: Uncertain significance for Inborn genetic diseases. Last evaluated: 2026-08-19. Review status: criteria provided, single submitter. Criteria: Ambry Variant Classification Scheme 2023. Collection method: clinical testing. Allele origin: germline.
Comment: The p.S1414C variant (also known as c.4240A>T), located in coding exon 15 of the FANCM gene, results from an A to T substitution at nucleotide position 4240. The serine at codon 1414 is replaced by cysteine, an amino acid with dissimilar properties. This amino acid position is conserved. In addition, this alteration is predicted to be tolerated by in silico analysis. Based on the available evidence, the clinical significance of this variant remains unclear.

NM_020937.4(FANCM):c.4240A>T (p.Ser1414Cys)

Gene: FANCM (FA complementation group M; plus strand). Cytogenetic location: 14q21.2.
Variant type: single nucleotide variant.
Coding change: c.4240A>T on transcript NM_020937.4 (MANE Select); coding-DNA position 4240, A replaced by T.
Protein change: p.Ser1414Cys; replaces serine 1414 with cysteine.
Molecular consequence: missense variant.
Genome position (GRCh38, 1-based): chr14:45,181,447, A>T. VCF-style: chr14-45181447-A-T. GRCh37 (hg19) VCF-style: chr14-45650650-A-T.
Other names: c.4162A>T, p.Ser1388Cys (NM_001308133.2); short protein forms S1414C, S1388C.
Identifiers: ClinVar variation 5021505 (VCV005021505.1).